The following is an entry in ClinVar:

NC_000003.12:g.11271763G>A

Genes: ATG7 (autophagy related 7; plus strand), HRH1 (histamine receptor H1; plus strand). Cytogenetic location: 3p25.3.
Variant type: single nucleotide variant.
Genome position: GRCh38 VCF-style: chr3-11271763-G-A. GRCh37 (hg19) VCF-style: chr3-11313449-G-A.
Identifiers: ClinVar variation 2653536 (VCV002653536.24), dbSNP rs76708041, ClinGen allele CA69516872.

ClinVar aggregate classification (germline): Likely benign (1 of 4 stars; one submission).

Allele frequency attached by ClinVar (database versions not stated): 1000 Genomes Project 30x 0.00219; 1000 Genomes Project 0.00220; TOPMed 0.00422; gnomAD 0.00459.

Submission:

CeGaT Center for Human Genetics Tuebingen
Classification: Likely benign. Last evaluated: 2026-09-01. Review status: criteria provided, single submitter. Criteria: CeGaT Center For Human Genetics Tuebingen Variant Classification Criteria Version 2. Collection method: clinical testing. Allele origin: germline. Affected: yes. Observed: 18 variant alleles.
Comment: HRH1: BS2; ATG7: BS2